The following is an entry in ClinVar:

ClinVar aggregate classification (germline): Uncertain significance (1 of 4 stars; one submission).

Conditions:
Hereditary cancer-predisposing syndrome. Also called: Hereditary Cancer Syndrome; Neoplastic Syndromes, Hereditary; Tumor predisposition; Hereditary neoplastic syndrome. Identifiers: Orphanet 140162, MedGen C0027672, MeSH D009386, MONDO:0015356.

Submission:

Ambry Genetics
Classification: Uncertain significance for Hereditary cancer-predisposing syndrome. Last evaluated: 2021-04-02. Review status: criteria provided, single submitter. Criteria: Ambry Variant Classification Scheme 2023. Collection method: clinical testing. Allele origin: germline.
Comment: The p.L1684F variant (also known as c.5050C>T), located in coding exon 22 of the DICER1 gene, results from a C to T substitution at nucleotide position 5050. The leucine at codon 1684 is replaced by phenylalanine, an amino acid with highly similar properties. This amino acid position is highly conserved in available vertebrate species. In addition, this alteration is predicted to be deleterious by in silico analysis. Since supporting evidence is limited at this time, the clinical significance of this alteration remains unclear.

NM_177438.3(DICER1):c.5050C>T (p.Leu1684Phe)

Gene: DICER1 (dicer 1, ribonuclease III; minus strand). Cytogenetic location: 14q32.13.
Variant type: single nucleotide variant.
Coding change: c.5050C>T on transcript NM_177438.3 (MANE Select); coding-DNA position 5050, C replaced by T.
Protein change: p.Leu1684Phe; replaces leucine 1684 with phenylalanine.
Molecular consequence: missense variant. On other transcripts: non-coding transcript variant (6).
Genome position (GRCh38, 1-based): chr14:95,095,870, G>A on the plus strand (C>T on the coding strand, the complement: DICER1 is on the minus strand). VCF-style: chr14-95095870-G-A. GRCh37 (hg19) VCF-style: chr14-95562207-G-A.
Other names: c.5050C>T, p.Leu1684Phe (NM_001195573.1, NM_001271282.3, NM_001291628.2 and 13 more transcripts); c.4768C>T, p.Leu1590Phe (NM_001395686.1); c.4645C>T, p.Leu1549Phe (NM_001395687.1, NM_001395688.1, NM_001395689.1 and 2 more transcripts); c.4483C>T, p.Leu1495Phe (NM_001395691.1); c.3367C>T, p.Leu1123Phe (NM_001395697.1); short protein forms L1549F, L1590F, L1123F, L1684F, L1495F.
Identifiers: ClinVar variation 1745033 (VCV001745033.2), dbSNP rs2139837947, ClinGen allele CA390866010.